The following is an entry in ClinVar:

NC_000003.11:g.(?_57743379)_(57817277_?)dup

Gene: SLMAP (sarcolemma associated protein; plus strand). Cytogenetic location: 3p14.3.
Variant type: Duplication.
Identifiers: ClinVar variation 2425690 (VCV002425690.3).

ClinVar aggregate classification (germline): Uncertain significance (1 of 4 stars; one submission).

Conditions:
Brugada syndrome. Also called: Sudden unexpected nocturnal death syndrome; Sudden unexplained nocturnal death syndrome; Sudden Unexplained Death Syndrome; Sudden Unexplained Nocturnal Death Syndrome (SUNDS). Identifiers: Orphanet 130, MedGen C1142166, MONDO:0015263.

Submission:

Labcorp Genetics (formerly Invitae), Labcorp
Classification: Uncertain significance for Brugada syndrome. Last evaluated: 2022-03-13. Review status: criteria provided, single submitter. Criteria: Invitae Variant Classification Sherloc (09022015). Collection method: clinical testing. Allele origin: germline.
Comment: In summary, the available evidence is currently insufficient to determine the role of this variant in disease. Therefore, it has been classified as a Variant of Uncertain Significance. Experimental studies and prediction algorithms are not available or were not evaluated, and the functional significance of this variant is currently unknown. This variant has not been reported in the literature in individuals affected with SLMAP-related conditions. This variant results in a copy number gain of the genomic region encompassing exon(s) 1-2 of the SLMAP gene. This region includes the initiator codon of the gene. This copy number gain extends beyond the assayed region for this gene and therefore may encompass additional genes. As the precise location of this event is unknown, it may be in tandem or it may be located elsewhere in the genome.